The following is an entry in ClinVar:

NM_006852.6(TLK2):c.1649T>C (p.Met550Thr)

Gene: TLK2 (tousled like kinase 2; plus strand). Cytogenetic location: 17q23.2.
Variant type: single nucleotide variant.
Coding change: c.1649T>C on transcript NM_006852.6 (MANE Select); coding-DNA position 1649, T replaced by C.
Protein change: p.Met550Thr; replaces methionine 550 with threonine.
Molecular consequence: missense variant.
Genome position (GRCh38, 1-based): chr17:62,600,749, T>C. VCF-style: chr17-62600749-T-C. GRCh37 (hg19) VCF-style: chr17-60678110-T-C.
Other names: c.1715T>C, p.Met572Thr (NM_001284333.3); c.1553T>C, p.Met518Thr (NM_001284363.1, NM_001375272.1); c.1202T>C, p.Met401Thr (NM_001330418.3, NM_001375273.1); c.1691T>C, p.Met564Thr (NM_001375269.1); c.1649T>C, p.Met550Thr (NM_001375270.1, NM_001375271.1); c.1364T>C, p.Met455Thr (NM_001411074.1); short protein forms M564T, M518T, M401T, M550T, M572T, M455T.
Identifiers: ClinVar variation 3572650 (VCV003572650.1).
Genomic context (GRCh38, chr17:62,600,749, plus strand): 5'-TGGACTTCTACCTGAAACAGCACAAATTAATGTCGGAGAAAGAGGCCCGGTCCATTATCA[T>C]GCAGATTGTGAATGCTTTAAAGTACTTAAATGAAATAAAACCTCCCATCATACACTATGA-3'
Protein context (NP_006843.2, residues 540-560): MSEKEARSII[Met550Thr]QIVNALKYLN

ClinVar aggregate classification (germline): Uncertain significance (1 of 4 stars; one submission).

Submission:

GeneDx
Classification: Uncertain significance. Last evaluated: 2024-07-08. Review status: criteria provided, single submitter. Criteria: GeneDx Variant Classification Process June 2021. Collection method: clinical testing. Allele origin: germline. Affected: yes.
Comment: Not observed at significant frequency in large population cohorts (gnomAD); In silico analysis supports that this missense variant has a deleterious effect on protein structure/function; Has not been previously published as pathogenic or benign to our knowledge